The following is an entry in ClinVar:

ClinVar aggregate classification (germline): Likely benign (0 of 4 stars; one submission).

Conditions:
ARHGEF28-related disorder. Also called: ARHGEF28-related condition.

Allele frequency attached by ClinVar (database versions not stated): TOPMed 0.00001; gnomAD 0.00002; gnomAD exomes 0.00004; ExAC 0.00007; ESP Exome Variant Server 0.00008.
gnomAD v4.1: 56 of 1,613,624 alleles (0.0035%); highest among the groups gnomAD compares: South Asian, 0.041%; no homozygotes.

Submission:

PreventionGenetics, part of Exact Sciences
Classification: Likely benign for ARHGEF28-related condition. Last evaluated: 2019-04-25. Review status: no assertion criteria provided. Collection method: clinical testing. Allele origin: germline.
Comment: This variant is classified as likely benign based on ACMG/AMP sequence variant interpretation guidelines (Richards et al. 2015 PMID: 25741868, with internal and published modifications).

NM_001177693.2(ARHGEF28):c.1773G>A (p.Glu591=)

Gene: ARHGEF28 (Rho guanine nucleotide exchange factor 28; plus strand). Cytogenetic location: 5q13.2.
Variant type: single nucleotide variant.
Coding change: c.1773G>A on transcript NM_001177693.2 (MANE Select); coding-DNA position 1773, G replaced by A.
Protein change: p.Glu591=; no amino-acid change (glutamic acid 591 retained).
Molecular consequence: synonymous variant.
Genome position (GRCh38, 1-based): chr5:73,852,675, G>A. VCF-style: chr5-73852675-G-A. GRCh37 (hg19) VCF-style: chr5-73148500-G-A.
Other names: c.1773G>A, p.Glu591= (NM_001080479.3, NM_001388078.1); c.834G>A, p.Glu278= (NM_001244364.2); c.1479G>A, p.Glu493= (NM_001388076.1).
Identifiers: ClinVar variation 3058519 (VCV003058519.2), dbSNP rs371045822, ClinGen allele CA3304634.